The following is an entry in ClinVar:

ClinVar aggregate classification (germline): Uncertain significance. Review status: criteria provided, multiple submitters, no conflicts (2 of 4 stars). 3 submissions from 3 submitters: Uncertain significance (3). Last evaluated 2026-05-09.

Conditions:
Inborn genetic diseases. Identifiers: MedGen C0950123, MeSH D030342.
DNAH9-related disorder. Also called: DNAH9-related condition.

gnomAD v4.1: 132 of 1,336,736 alleles (0.0099%); highest among the groups gnomAD compares: South Asian, 0.2%; no homozygotes.

Submissions (3):

PreventionGenetics, part of Exact Sciences
Classification: Uncertain significance for DNAH9-related condition. Last evaluated: 2026-05-09. Review status: criteria provided, single submitter. Criteria: ACMG Guidelines, 2015. Collection method: clinical testing. Allele origin: germline.
Comment: The DNAH9 c.79C>T variant is predicted to result in the amino acid substitution p.Leu27Phe. To our knowledge, this variant has not been reported in the literature. This variant is reported in 0.19% of alleles in individuals of South Asian descent in gnomAD. Although we suspect that this variant may be benign, at this time, the clinical significance of this variant is uncertain due to the absence of conclusive functional and genetic evidence.

Labcorp Genetics (formerly Invitae), Labcorp
Classification: Uncertain significance. Last evaluated: 2026-01-02. Review status: criteria provided, single submitter. Criteria: Invitae Variant Classification Sherloc (09022015). Collection method: clinical testing. Allele origin: germline.
Comment: This sequence change replaces leucine, which is neutral and non-polar, with phenylalanine, which is neutral and non-polar, at codon 27 of the DNAH9 protein (p.Leu27Phe). This variant is present in population databases (rs760080693, gnomAD 0.2%). This missense change has been observed in individual(s) with clinical features of primary ciliary dyskinesia (internal data). ClinVar contains an entry for this variant (Variation ID: 3503742). An algorithm developed to predict the effect of missense changes on protein structure and function (PolyPhen-2) suggests that this variant is likely to be tolerated. In summary, the available evidence is currently insufficient to determine the role of this variant in disease. Therefore, it has been classified as a Variant of Uncertain Significance.

Ambry Genetics
Classification: Uncertain significance for Inborn genetic diseases. Last evaluated: 2024-11-12. Review status: criteria provided, single submitter. Criteria: Ambry Variant Classification Scheme 2023. Collection method: clinical testing. Allele origin: germline.

NM_001372.4(DNAH9):c.79C>T (p.Leu27Phe)

Gene: DNAH9 (dynein axonemal heavy chain 9; plus strand). Cytogenetic location: 17p12.
Variant type: single nucleotide variant.
Coding change: c.79C>T on transcript NM_001372.4 (MANE Select); coding-DNA position 79, C replaced by T.
Protein change: p.Leu27Phe; replaces leucine 27 with phenylalanine.
Molecular consequence: missense variant.
Genome position (GRCh38, 1-based): chr17:11,598,577, C>T. VCF-style: chr17-11598577-C-T. GRCh37 (hg19) VCF-style: chr17-11501894-C-T.
Other names: short protein forms L27F.
Identifiers: ClinVar variation 3503742 (VCV003503742.3).